The following is an entry in ClinVar:

ClinVar aggregate classification (germline): Uncertain significance (1 of 4 stars; one submission).

Conditions:
Familial thoracic aortic aneurysm and aortic dissection (TAAD). Also called: Thoracic aortic aneurysms and dissections. Identifiers: Orphanet 91387, MedGen C4707243, MONDO:0019625.

Submission:

Color Diagnostics, LLC DBA Color Health
Classification: Uncertain significance for Familial thoracic aortic aneurysm and aortic dissection. Last evaluated: 2023-10-26. Review status: criteria provided, single submitter. Criteria: ACMG Guidelines, 2015. Collection method: clinical testing. Allele origin: germline.
Comment: This missense variant replaces proline with serine at codon 967 of the COL3A1 protein. Computational prediction suggests that this variant may not impact protein structure and function (internally defined REVEL score threshold <= 0.5, PMID: 27666373). To our knowledge, functional studies have not been reported for this variant. This variant has not been reported in individuals affected with COL3A1-related disorders in the literature. This variant has not been identified in the general population by the Genome Aggregation Database (gnomAD). The available evidence is insufficient to determine the role of this variant in disease conclusively. Therefore, this variant is classified as a Variant of Uncertain Significance.

NM_000090.4(COL3A1):c.2899C>T (p.Pro967Ser)

Gene: COL3A1 (collagen type III alpha 1 chain; plus strand). Cytogenetic location: 2q32.2.
Variant type: single nucleotide variant.
Coding change: c.2899C>T on transcript NM_000090.4 (MANE Select); coding-DNA position 2899, C replaced by T.
Protein change: p.Pro967Ser; replaces proline 967 with serine.
Molecular consequence: missense variant.
Genome position (GRCh38, 1-based): chr2:189,004,332, C>T. VCF-style: chr2-189004332-C-T. GRCh37 (hg19) VCF-style: chr2-189869058-C-T.
Other names: short protein forms P967S.
Identifiers: ClinVar variation 2775132 (VCV002775132.2), dbSNP rs2469154266, ClinGen allele CA349844597.